The following is an entry in ClinVar:

NM_000393.5(COL5A2):c.2668A>G (p.Asn890Asp)

Gene: COL5A2 (collagen type V alpha 2 chain; minus strand). Cytogenetic location: 2q32.2.
Variant type: single nucleotide variant.
Coding change: c.2668A>G on transcript NM_000393.5 (MANE Select); coding-DNA position 2668, A replaced by G.
Protein change: p.Asn890Asp; replaces asparagine 890 with aspartic acid.
Molecular consequence: missense variant.
Genome position (GRCh38, 1-based): chr2:189,052,796, T>C on the plus strand (A>G on the coding strand, the complement: COL5A2 is on the minus strand). VCF-style: chr2-189052796-T-C. GRCh37 (hg19) VCF-style: chr2-189917522-T-C.
Other names: c.2668A>G (NM_000393.3); short protein forms N890D.
Identifiers: ClinVar variation 2701700 (VCV002701700.4), dbSNP rs761453798, ClinGen allele CA2022233.

ClinVar aggregate classification (germline): Uncertain significance. Review status: criteria provided, multiple submitters, no conflicts (2 of 4 stars). 2 submissions from 2 submitters: Uncertain significance (2). Last evaluated 2026-05-20.

Conditions:
Familial thoracic aortic aneurysm and aortic dissection (TAAD). Also called: Thoracic aortic aneurysms and dissections. Identifiers: Orphanet 91387, MedGen C4707243, MONDO:0019625.
Ehlers-Danlos syndrome, classic type, 1 (EDSCL1). Also called: EHLERS-DANLOS SYNDROME, GRAVIS TYPE; EHLERS-DANLOS SYNDROME, SEVERE CLASSIC TYPE; Ehlers-Danlos syndrome, type 1; Ehlers-Danlos Syndrome, Classic Type, COL5A1-Related; EDS I. Identifiers: MedGen C0268335, MONDO:0019567, OMIM 130000.

Allele frequency attached by ClinVar (database versions not stated): gnomAD exomes below 0.00001; ExAC 0.00002.
gnomAD v4.1: 8 of 1,614,056 alleles (0.0005%); highest among the groups gnomAD compares: African/African-American, 0.0013%; no homozygotes.

Submissions (2):

Ambry Genetics
Classification: Uncertain significance for Familial thoracic aortic aneurysm and aortic dissection. Last evaluated: 2026-05-20. Review status: criteria provided, single submitter. Criteria: Ambry Variant Classification Scheme 2023. Collection method: clinical testing. Allele origin: germline.
Comment: The p.N890D variant (also known as c.2668A>G), located in coding exon 40 of the COL5A2 gene, results from an A to G substitution at nucleotide position 2668. The asparagine at codon 890 is replaced by aspartic acid, an amino acid with highly similar properties. This amino acid position is conserved. In addition, this alteration is predicted to be tolerated by in silico analysis. Based on the available evidence, the clinical significance of this variant remains unclear.

Labcorp Genetics (formerly Invitae), Labcorp
Classification: Uncertain significance for Ehlers-Danlos syndrome, classic type, 1. Last evaluated: 2023-01-18. Review status: criteria provided, single submitter. Criteria: Invitae Variant Classification Sherloc (09022015). Collection method: clinical testing. Allele origin: germline.
Comment: This sequence change replaces asparagine, which is neutral and polar, with aspartic acid, which is acidic and polar, at codon 890 of the COL5A2 protein (p.Asn890Asp). This variant is present in population databases (rs761453798, gnomAD 0.002%). In summary, the available evidence is currently insufficient to determine the role of this variant in disease. Therefore, it has been classified as a Variant of Uncertain Significance. Advanced modeling of protein sequence and biophysical properties (such as structural, functional, and spatial information, amino acid conservation, physicochemical variation, residue mobility, and thermodynamic stability) performed at Invitae indicates that this missense variant is not expected to disrupt COL5A2 protein function. This variant has not been reported in the literature in individuals affected with COL5A2-related conditions.